The following is an entry in ClinVar:

NM_020366.4(RPGRIP1):c.2916G>T (p.Glu972Asp)

Gene: RPGRIP1 (RPGR interacting protein 1; plus strand). Cytogenetic location: 14q11.2.
Variant type: single nucleotide variant.
Coding change: c.2916G>T on transcript NM_020366.4 (MANE Select); coding-DNA position 2916, G replaced by T.
Protein change: p.Glu972Asp; replaces glutamic acid 972 with aspartic acid.
Molecular consequence: missense variant.
Genome position (GRCh38, 1-based): chr14:21,328,444, G>T. VCF-style: chr14-21328444-G-T. GRCh37 (hg19) VCF-style: chr14-21796603-G-T.
Other names: c.894G>T, p.Glu298Asp (NM_001377523.1, NM_001377950.1); c.1842G>T, p.Glu614Asp (NM_001377948.1); c.1002G>T, p.Glu334Asp (NM_001377949.1); c.396G>T, p.Glu132Asp (NM_001377951.1); short protein forms E614D, E132D, E298D, E334D, E972D.
Identifiers: ClinVar variation 1044729 (VCV001044729.8), dbSNP rs1233085262, ClinGen allele CA388870913.

ClinVar aggregate classification (germline): Uncertain significance (1 of 4 stars; one submission).

Conditions:
Leber congenital amaurosis 6 (LCA6). Identifiers: Orphanet 65, MedGen C1854260, MONDO:0013446, OMIM 613826.
Cone-rod dystrophy 13 (CORD13). Identifiers: Orphanet 1872, MedGen C2750720, MONDO:0011987, OMIM 608194.

Allele frequency attached by ClinVar (database versions not stated): gnomAD 0.00001; TOPMed 0.00001.
gnomAD v4.1: 1 of 1,612,984 alleles (0.000062%); highest among the groups gnomAD compares: Admixed American, 0.0017%; no homozygotes.

Submission:

Labcorp Genetics (formerly Invitae), Labcorp
Classification: Uncertain significance for Leber congenital amaurosis 6; Cone-rod dystrophy 13. Last evaluated: 2020-01-06. Review status: criteria provided, single submitter. Criteria: Invitae Variant Classification Sherloc (09022015). Collection method: clinical testing. Allele origin: germline.
Comment: In summary, the available evidence is currently insufficient to determine the role of this variant in disease. Therefore, it has been classified as a Variant of Uncertain Significance. Algorithms developed to predict the effect of missense changes on protein structure and function output the following: SIFT: "Tolerated"; PolyPhen-2: "Benign"; Align-GVGD: "Class C0". The aspartic acid amino acid residue is found in multiple mammalian species, suggesting that this missense change does not adversely affect protein function. These predictions have not been confirmed by published functional studies and their clinical significance is uncertain. This variant has not been reported in the literature in individuals with RPGRIP1-related conditions. This variant is not present in population databases (ExAC no frequency). This sequence change replaces glutamic acid with aspartic acid at codon 972 of the RPGRIP1 protein (p.Glu972Asp). The glutamic acid residue is weakly conserved and there is a small physicochemical difference between glutamic acid and aspartic acid.